The following is an entry in ClinVar:

NM_000059.4(BRCA2):c.9665G>A (p.Cys3222Tyr)

Gene: BRCA2 (BRCA2 DNA repair associated; plus strand). Cytogenetic location: 13q13.1.
Variant type: single nucleotide variant.
Coding change: c.9665G>A on transcript NM_000059.4 (MANE Select); coding-DNA position 9665, G replaced by A.
Protein change: p.Cys3222Tyr; replaces cysteine 3222 with tyrosine.
Molecular consequence: missense variant.
Genome position (GRCh38, 1-based): chr13:32,398,178, G>A. VCF-style: chr13-32398178-G-A. GRCh37 (hg19) VCF-style: chr13-32972315-G-A.
Other names: c.9665G>A (NM_000059.3); short protein forms C3222Y.
Identifiers: ClinVar variation 1008199 (VCV001008199.7), dbSNP rs2073049164, ClinGen allele CA387765139.

ClinVar aggregate classification (germline): Uncertain significance. Review status: criteria provided, multiple submitters, no conflicts (2 of 4 stars). 2 submissions from 2 submitters: Uncertain significance (2). Last evaluated 2024-04-18.

Conditions:
Familial cancer of breast. Also called: hereditary breast carcinoma; BREAST CANCER, FAMILIAL; Hereditary breast cancer. Identifiers: Orphanet 227535, MedGen C0346153, MONDO:0016419, OMIM 114480. Disease mechanism: loss of function.
Breast-ovarian cancer, familial, susceptibility to, 2 (BROVCA2). Also called: BRCA2 Hereditary Breast and Ovarian Cancer. Identifiers: Orphanet 145, MedGen C2675520, MONDO:0012933, OMIM 612555. Disease mechanism: loss of function.
Hereditary breast ovarian cancer syndrome. Also called: Hereditary breast and ovarian cancer syndrome; Breast and ovarian cancer; BRCA1- and BRCA2-Associated Hereditary Breast and Ovarian Cancer; Hereditary breast and/or ovarian cancer syndrome; Hereditary breast and ovarian cancer; Hereditary breast and ovarian cancer syndrome (HBOC). Identifiers: Orphanet 145, MedGen C0677776, MeSH D061325, MONDO:0003582. Disease mechanism: loss of function.

Allele frequency attached by ClinVar (database versions not stated): gnomAD exomes below 0.00001.
gnomAD v4.1: 1 of 1,609,850 alleles (0.000062%); highest among the groups gnomAD compares: Non-Finnish European, 0.000085%; no homozygotes.

Submissions (2):

Labcorp Genetics (formerly Invitae), Labcorp
Classification: Uncertain significance for Hereditary breast ovarian cancer syndrome. Last evaluated: 2024-04-18. Review status: criteria provided, single submitter. Criteria: Invitae Variant Classification Sherloc (09022015). Collection method: clinical testing. Allele origin: germline.
Comment: This sequence change replaces cysteine, which is neutral and slightly polar, with tyrosine, which is neutral and polar, at codon 3222 of the BRCA2 protein (p.Cys3222Tyr). This variant is not present in population databases (gnomAD no frequency). This variant has not been reported in the literature in individuals affected with BRCA2-related conditions. ClinVar contains an entry for this variant (Variation ID: 1008199). Advanced modeling of protein sequence and biophysical properties (such as structural, functional, and spatial information, amino acid conservation, physicochemical variation, residue mobility, and thermodynamic stability) performed at Invitae indicates that this missense variant is not expected to disrupt BRCA2 protein function with a negative predictive value of 95%. In summary, the available evidence is currently insufficient to determine the role of this variant in disease. Therefore, it has been classified as a Variant of Uncertain Significance.

Department of Pathology and Laboratory Medicine, Sinai Health System
Classification: Uncertain significance for Familial cancer of breast; Breast-ovarian cancer, familial, susceptibility to, 2. Last evaluated: 2022-08-05. Review status: criteria provided, single submitter. Criteria: ACMG Guidelines, 2015. Collection method: clinical testing. Allele origin: germline. Affected: yes.